The following is an entry in ClinVar:

NM_000400.4(ERCC2):c.1377+8C>T

Gene: ERCC2 (ERCC excision repair 2, TFIIH core complex helicase subunit; minus strand). Cytogenetic location: 19q13.32.
Variant type: single nucleotide variant.
Coding change: c.1377+8C>T on transcript NM_000400.4 (MANE Select); 8 bases into the intron after coding-DNA position 1377, C replaced by T.
Molecular consequence: intron variant.
Genome position (GRCh38, 1-based): chr19:45,357,466, G>A on the plus strand (C>T on the coding strand, the complement: ERCC2 is on the minus strand). VCF-style: chr19-45357466-G-A. GRCh37 (hg19) VCF-style: chr19-45860724-G-A.
Identifiers: ClinVar variation 708830 (VCV000708830.36), dbSNP rs370862494, ClinGen allele CA9513331.
Genomic context (GRCh38, chr19:45,357,466, plus strand): 5'-CTGGGCAGGGACCAGGAGGCCCATGGAGGGAGGTCAGGGACTAGGAGGGGACGGGGAAGG[G>A]TCCTTACCCCAGATGTGATGATGACAGACTGGAAACGCTCAAATACGGGTTTGATGGCCA-3'

ClinVar aggregate classification (germline): Conflicting classifications of pathogenicity. Review status: criteria provided, conflicting classifications (1 of 4 stars). 4 submissions from 4 submitters: Uncertain significance (1); Likely benign (3). Last evaluated 2026-01-19.

Conditions:
Xeroderma pigmentosum, group D (XPD). Also called: ERCC2-Related Xeroderma Pigmentosum; XERODERMA PIGMENTOSUM, COMPLEMENTATION GROUP D; XERODERMA PIGMENTOSUM IV; XP, GROUP D; XP, GROUP H. Identifiers: MedGen C0268138, MONDO:0010212, OMIM 278730.

Allele frequency attached by ClinVar (database versions not stated): gnomAD 0.00042 and 0.00044; TOPMed 0.00048; ESP Exome Variant Server 0.00062.
gnomAD v4.1: 808 of 1,613,936 alleles (0.05%); highest among the groups gnomAD compares: Non-Finnish European, 0.063%; no homozygotes.

Submissions (4):

Labcorp Genetics (formerly Invitae), Labcorp
Classification: Likely benign. Last evaluated: 2026-01-19. Review status: criteria provided, single submitter. Criteria: Invitae Variant Classification Sherloc (09022015). Collection method: clinical testing. Allele origin: germline.

Blueprint Genetics
Classification: Likely benign. Last evaluated: 2024-11-27. Review status: criteria provided, single submitter. Criteria: ACMG Guidelines, 2015. Collection method: clinical testing. Allele origin: germline.

CeGaT Center for Human Genetics Tuebingen
Classification: Likely benign. Last evaluated: 2023-11-01. Review status: criteria provided, single submitter. Criteria: CeGaT Center For Human Genetics Tuebingen Variant Classification Criteria Version 2. Collection method: clinical testing. Allele origin: germline. Affected: yes. Observed: 1 variant allele.
Comment: ERCC2: BP4

Illumina Laboratory Services, Illumina
Classification: Uncertain significance for Xeroderma pigmentosum, group D. Last evaluated: 2018-01-13. Review status: criteria provided, single submitter. Criteria: ICSL Variant Classification Criteria 13 December 2019. Collection method: clinical testing. Allele origin: germline.